The following is an entry in ClinVar:

NM_000186.4(CFH):c.206G>A (p.Gly69Glu)

Gene: CFH (complement factor H; plus strand). Cytogenetic location: 1q31.3.
Variant type: single nucleotide variant.
Coding change: c.206G>A on transcript NM_000186.4 (MANE Select); coding-DNA position 206, G replaced by A.
Protein change: p.Gly69Glu; replaces glycine 69 with glutamic acid.
Molecular consequence: missense variant.
Genome position (GRCh38, 1-based): chr1:196,673,125, G>A. VCF-style: chr1-196673125-G-A. GRCh37 (hg19) VCF-style: chr1-196642255-G-A.
Other names: c.206G>A, p.Gly69Glu (NM_001014975.3); short protein forms G69E.
Identifiers: ClinVar variation 4291470 (VCV004291470.1).
Genomic context (GRCh38, chr1:196,673,125, plus strand): 5'-TCTATAAATGCCGCCCTGGATATAGATCTCTTGGAAATGTAATAATGGTATGCAGGAAGG[G>A]AGAATGGGTTGCTCTTAATCCATTAAGGAAATGTCAGAGTAAGTACTTAATACATTTGTG-3'
Protein context (NP_000177.2, residues 59-79): LGNVIMVCRK[Gly69Glu]EWVALNPLRK

ClinVar aggregate classification (germline): Uncertain significance (1 of 4 stars; one submission).

Conditions:
Atypical hemolytic-uremic syndrome. Identifiers: Orphanet 2134, MedGen C2931788, MONDO:0016244.
Basal laminar drusen. Also called: DRUSEN OF BRUCH MEMBRANE; DRUSEN, CUTICULAR; DRUSEN, EARLY ADULT-ONSET, GROUPED. Identifiers: Orphanet 75376, MedGen C0730295, MONDO:0007472, OMIM 126700.
Factor H deficiency (CFHD). Also called: COMPLEMENT FACTOR H DEFICIENCY; CFH DEFICIENCY. Identifiers: Orphanet 200421, MedGen C0398777, MONDO:0012350, OMIM 609814.
Age related macular degeneration 4. Identifiers: MedGen C1853147, MONDO:0012540, OMIM 610698.

Submission:

Genomenon, Inc
Classification: Uncertain significance for Basal laminar drusen; Age related macular degeneration 4; Atypical hemolytic-uremic syndrome; Factor H deficiency. Last evaluated: 2025-10-02. Review status: criteria provided, single submitter. Criteria: Genomenon Sequence Variant Interpretation Standards - Updated. Collection method: curation. Allele origin: germline. Affected: no.
Comment: CFH p.Gly69Glu (c.206G>A) is a missense variant that changes the amino acid at residue 69 from Glycine to Glutamic acid. This variant has been reported in the published literature (PMID:26268811;33519811). Functional studies have been reported (PMID:33519811). It is absent or not present at a significant frequency in gnomAD. In conclusion, we classify CFH p.Gly69Glu (c.206G>A) as a variant of uncertain significance.

Literature cited by the submitters: PubMed 26268811; PubMed 33519811.